The following is an entry in ClinVar:

ClinVar aggregate classification (germline): Uncertain significance. Review status: criteria provided, multiple submitters, no conflicts (2 of 4 stars). 3 submissions from 3 submitters: Uncertain significance (3). Last evaluated 2025-06-30.

Conditions:
Cardiovascular phenotype. Identifiers: MedGen CN230736.
Dilated cardiomyopathy 1HH (CMD1HH). Identifiers: Orphanet 154, MedGen C3151293, MONDO:0013479, OMIM 613881.
Myofibrillar myopathy 6. Identifiers: Orphanet 199340, MedGen C2751831, MONDO:0013061, OMIM 612954.

Allele frequency attached by ClinVar (database versions not stated): gnomAD exomes below 0.00001; gnomAD 0.00001.
gnomAD v4.1: 7 of 1,614,078 alleles (0.00043%); highest among the groups gnomAD compares: Non-Finnish European, 0.00059%; no homozygotes.

Submissions (3):

Labcorp Genetics (formerly Invitae), Labcorp
Classification: Uncertain significance for Dilated cardiomyopathy 1HH; Myofibrillar myopathy 6. Last evaluated: 2025-06-30. Review status: criteria provided, single submitter. Criteria: Invitae Variant Classification Sherloc (09022015). Collection method: clinical testing. Allele origin: germline.
Comment: This sequence change replaces threonine, which is neutral and polar, with isoleucine, which is neutral and non-polar, at codon 406 of the BAG3 protein (p.Thr406Ile). This variant is present in population databases (rs727502900, gnomAD 0.002%). This variant has not been reported in the literature in individuals affected with BAG3-related conditions. ClinVar contains an entry for this variant (Variation ID: 162783). Invitae Evidence Modeling of protein sequence and biophysical properties (such as structural, functional, and spatial information, amino acid conservation, physicochemical variation, residue mobility, and thermodynamic stability) indicates that this missense variant is not expected to disrupt BAG3 protein function with a negative predictive value of 80%. In summary, the available evidence is currently insufficient to determine the role of this variant in disease. Therefore, it has been classified as a Variant of Uncertain Significance.

Ambry Genetics
Classification: Uncertain significance for Cardiovascular phenotype. Last evaluated: 2021-10-11. Review status: criteria provided, single submitter. Criteria: Ambry Variant Classification Scheme 2023. Collection method: clinical testing. Allele origin: germline.
Comment: The p.T406I variant (also known as c.1217C>T), located in coding exon 4 of the BAG3 gene, results from a C to T substitution at nucleotide position 1217. The threonine at codon 406 is replaced by isoleucine, an amino acid with similar properties. This amino acid position is conserved. In addition, this alteration is predicted to be tolerated by in silico analysis. Since supporting evidence is limited at this time, the clinical significance of this alteration remains unclear.

Laboratory for Molecular Medicine, Mass General Brigham Personalized Medicine
Classification: Uncertain significance. Last evaluated: 2014-08-14. Review status: criteria provided, single submitter. Criteria: LMM Criteria. Collection method: clinical testing. Allele origin: germline. Observed: 1 variant allele.
Comment: The Thr406Ile variant in BAG3 has not been previously reported in individuals wi th cardiomyopathy or in large population studies. Computational prediction tools and conservation analysis suggest that the Thr406Ile variant may not impact the protein, though this information is not predictive enough to rule out pathogeni city. In summary, the clinical significance of the Thr406Ile variant is uncertai n.

NM_004281.4(BAG3):c.1217C>T (p.Thr406Ile)

Gene: BAG3 (BAG cochaperone 3; plus strand). Cytogenetic location: 10q26.11.
Variant type: single nucleotide variant.
Coding change: c.1217C>T on transcript NM_004281.4 (MANE Select); coding-DNA position 1217, C replaced by T.
Protein change: p.Thr406Ile; replaces threonine 406 with isoleucine.
Molecular consequence: missense variant.
Genome position (GRCh38, 1-based): chr10:119,676,771, C>T. VCF-style: chr10-119676771-C-T. GRCh37 (hg19) VCF-style: chr10-121436283-C-T.
Other names: short protein forms T406I.
Identifiers: ClinVar variation 162783 (VCV000162783.13), dbSNP rs727502900, ClinGen allele CA175307.